The following is an entry in ClinVar:

NM_016219.5(MAN1B1):c.620+1del

Gene: MAN1B1 (mannosidase alpha class 1B member 1; plus strand). Cytogenetic location: 9q34.3.
Variant type: Deletion.
Coding change: c.620+1del on transcript NM_016219.5 (MANE Select); the canonical splice donor site of the intron after coding-DNA position 620, one base deleted (G; older notation c.620+1delG).
Molecular consequence: splice donor variant.
Genome position (GRCh38, 1-based): chr9:137,096,392, G deleted; the last of 2 consecutive G bases (chr9:137,096,391-137,096,392); deleting either gives the same sequence. VCF-style (leftmost placement, unchanged base first): chr9-137096390-AG-A. GRCh37 (hg19) VCF-style: chr9-139990842-AG-A.
Identifiers: ClinVar variation 589189 (VCV000589189.5), dbSNP rs1564278864, ClinGen allele CA891843018.

ClinVar aggregate classification (germline): Likely pathogenic (1 of 4 stars; one submission).

Conditions:
Inborn genetic diseases. Identifiers: MedGen C0950123, MeSH D030342.

Submission:

Ambry Genetics
Classification: Likely pathogenic for Inborn genetic diseases. Last evaluated: 2017-05-31. Review status: criteria provided, single submitter. Criteria: Ambry Variant Classification Scheme 2023. Collection method: clinical testing. Allele origin: germline.
Comment: The c.620+1delG intronic variant, located in intron 4 of the MAN1B1 gene, results from a deletion of one nucleotide within intron 4 of the MAN1B1 gene. This nucleotide position is highly conserved in available vertebrate species. Using the BDGP and ESEfinder splice site prediction tools, this alteration is predicted to abolish the native splice donor site; however, direct evidence is unavailable. Alterations that disrupt the canonical splice site are expected to cause aberrant splicing, resulting in an abnormal protein or a transcript that is subject to nonsense-mediated mRNA decay. As such, this alteration is classified as likely pathogenic.